The following is an entry in ClinVar:

ClinVar aggregate classification (germline): Uncertain significance (1 of 4 stars; one submission).

Allele frequency attached by ClinVar (database versions not stated): gnomAD exomes below 0.00001.
gnomAD v4.1: 1 of 1,614,184 alleles (0.000062%); highest among the groups gnomAD compares: Admixed American, 0.0017%; no homozygotes.

Submission:

Labcorp Genetics (formerly Invitae), Labcorp
Classification: Uncertain significance. Last evaluated: 2022-01-16. Review status: criteria provided, single submitter. Criteria: Invitae Variant Classification Sherloc (09022015). Collection method: clinical testing. Allele origin: germline.
Comment: In summary, the available evidence is currently insufficient to determine the role of this variant in disease. Therefore, it has been classified as a Variant of Uncertain Significance. Algorithms developed to predict the effect of missense changes on protein structure and function (SIFT, PolyPhen-2, Align-GVGD) all suggest that this variant is likely to be disruptive. This variant has not been reported in the literature in individuals affected with ABCG8-related conditions. This variant is present in population databases (no rsID available, gnomAD 0.003%). This sequence change replaces leucine, which is neutral and non-polar, with arginine, which is basic and polar, at codon 91 of the ABCG8 protein (p.Leu91Arg).

NM_022437.3(ABCG8):c.272T>G (p.Leu91Arg)

Gene: ABCG8 (ATP binding cassette subfamily G member 8; plus strand). Cytogenetic location: 2p21.
Variant type: single nucleotide variant.
Coding change: c.272T>G on transcript NM_022437.3 (MANE Select); coding-DNA position 272, T replaced by G.
Protein change: p.Leu91Arg; replaces leucine 91 with arginine.
Molecular consequence: missense variant.
Genome position (GRCh38, 1-based): chr2:43,846,261, T>G. VCF-style: chr2-43846261-T-G. GRCh37 (hg19) VCF-style: chr2-44073400-T-G.
Other names: c.272T>G, p.Leu91Arg (NM_001357321.2); short protein forms L91R.
Identifiers: ClinVar variation 2085917 (VCV002085917.4), dbSNP rs1255685258, ClinGen allele CA346663606.